The following is an entry in ClinVar:

ClinVar aggregate classification (germline): Benign (1 of 4 stars; one submission).

Conditions:
Factor 5 and Factor VIII, combined deficiency of, 2. Identifiers: Orphanet 35909, MedGen C3150889, MONDO:0013331, OMIM 613625.

Allele frequency attached by ClinVar (database versions not stated): gnomAD 0.02754 and 0.02827; 1000 Genomes Project 0.02935; TOPMed 0.02983; 1000 Genomes Project 30x 0.03029.

Submissions (4):

Illumina Laboratory Services, Illumina
Classification: Benign for Factor 5 and Factor VIII, combined deficiency of, 2. Last evaluated: 2018-01-13. Review status: criteria provided, single submitter. Criteria: ICSL Variant Classification Criteria 13 December 2019. Collection method: clinical testing. Allele origin: germline.
Comment: This variant was observed in the ICSL laboratory as part of a predisposition screen in an ostensibly healthy population. It had not been previously curated by ICSL or reported in the Human Gene Mutation Database (HGMD: prior to June 1st, 2018), and was therefore a candidate for classification through an automated scoring system. Utilizing variant allele frequency, disease prevalence and penetrance estimates, and inheritance mode, an automated score was calculated to assess if this variant is too frequent to cause the disease. Based on the score and internal cut-off values, a variant classified as benign is not then subjected to further curation. The score for this variant resulted in a classification of benign for this disease.

Dr. Peter K. Rogan Lab, Western University
No classification provided (evidence only). Condition: Ovarian serous cystadenocarcinoma. Review status: no classification provided. Collection method: in vitro. Allele origin: not applicable. Functional consequence: retained intron. Not counted in ClinVar's aggregate classification.

Dr. Peter K. Rogan Lab, Western University
No classification provided (evidence only). Condition: Ovarian serous cystadenocarcinoma. Review status: no classification provided. Collection method: in vitro. Allele origin: not applicable. Functional consequence: retained intron. Not counted in ClinVar's aggregate classification.

Dr. Peter K. Rogan Lab, Western University
No classification provided (evidence only). Condition: Ovarian serous cystadenocarcinoma. Review status: no classification provided. Collection method: in vitro. Allele origin: not applicable. Functional consequence: retained intron. Not counted in ClinVar's aggregate classification.

NM_139279.6(MCFD2):c.*1346G>T

Genes: MCFD2 (multiple coagulation factor deficiency 2, ER cargo receptor complex subunit; minus strand), MCFD2-AS1 (MCFD2 antisense RNA 1; plus strand). Cytogenetic location: 2p21.
Variant type: single nucleotide variant.
Coding change: c.*1346G>T on transcript NM_139279.6 (MANE Select); 1346 bases downstream of the stop codon, G replaced by T.
Molecular consequence: 3 prime UTR variant.
Genome position (GRCh38, 1-based): chr2:46,904,117, C>A on the plus strand (G>T on the coding strand, the complement: MCFD2 is on the minus strand). VCF-style: chr2-46904117-C-A. GRCh37 (hg19) VCF-style: chr2-47131256-C-A.
Other names: NC_000002.11:g.47131256C>A; c.*1346G>T (NM_001171506.2, NM_001171507.2, NM_001171508.2 and 3 more transcripts).
Identifiers: ClinVar variation 336357 (VCV000336357.6), dbSNP rs111535939, ClinGen allele CA10613534.
Genomic context (GRCh38, chr2:46,904,117, plus strand): 5'-CTTCAGAGTGGAAGCCCCAAGCCTTGGCAGCTTCTATGTGCTGTTAAGCCTGCAGGTGCA[C>A]AGAAGTCAAGAATTGAGATTTGGAAACCTCCGCCTAGTTTTCAGAAGATGTATGGAAATG-3'